The following is an entry in ClinVar:

GRCh37/hg19 3p26.3-25.3(chr3:61892-9899605)x1

Genes: ARL8B (ARF like GTPase 8B; plus strand), ARPC4 (actin related protein 2/3 complex subunit 4; plus strand), ARPC4-TTLL3 (ARPC4-TTLL3 readthrough; plus strand), BHLHE40 (basic helix-loop-helix family member e40; plus strand), BRPF1 (bromodomain and PHD finger containing 1; plus strand) and 30 more. Cytogenetic location: 3p26.3-25.3.
Variant type: copy number loss.
Change: copy number 1 (one copy instead of two) of chr3:61,892-9,899,605 (9.84 Mb, GRCh37 coordinates, 1-based), cytogenetic band 3p26.3-25.3.
Identifiers: ClinVar variation 1807765 (VCV001807765.1).

ClinVar aggregate classification (germline): Pathogenic (1 of 4 stars; one submission).

Submission:

Quest Diagnostics Nichols Institute San Juan Capistrano
Classification: Pathogenic. Last evaluated: 2021-09-14. Review status: criteria provided, single submitter. Criteria: ACMG/ClinGen CNV Guidelines, 2019. Collection method: clinical testing. Allele origin: unknown.
Comment: The copy number loss of 3p26.3p25.3 involves multiple protein coding genes including SETD5 (OMIM 615743), BRPF1 (OMIM 602410), CHL1 (OMIM 607416), CNTN4 (OMIM 607280) and CNTN6 (OMIM 607220) and is expected to cause phenotypic and/or developmental abnormalities. This terminal deletion is associated with chromosome 3pter-p25 deletion syndrome (OMIM 613792). Characteristic features include low birth weight, microcephaly, trigonocephaly, hypotonia, psychomotor and growth retardation, ptosis, telecanthus, downslanting palpebral fissures, and micrognathia. Postaxial polydactyly, renal anomalies, cleft palate, congenital heart defects (especially atrioventricular septal defects), preauricular pits, sacral dimple, and gastrointestinal anomalies are variable features. Although intellectual deficits are almost invariably associated with cytogenetically visible 3p deletions, rare patients with a 3p26-p25 deletion and normal intelligence or only mild abnormalities have been described (Shuib 2009). Further, deletion of SETD5 is suggested as the largest contributor to the core phenotype in 3p25 deletion syndrome (Kuechler 2015). BRPF1 also contributes to the phenotype of intellectual disability (Mattioli 2017). Smaller terminal 3p26.3 deletions including the CHL1 gene have been described in patients with microcephaly, intellectual disability, learning and language difficulties, short stature, and strabismus (Cuoco 2011; Pohjola 2010; Tassano 2014). In addition, deletions of CNTN4 and CNTN6 have been reported to be associated with a wide spectrum of neurodevelopmental behavioral disorders (Hu 2015; Kashevarova 2014; Fernandez 2004; Roohi 2009; Oguro-Ando 2017). This large deletion also includes three genes that are associated with autosomal dominant phenotype: ITPR1 (OMIM 117360, 606658, and 206700), CAV3 (OMIM 192600, 123320, 611818, 614321, and 606072), and MTMR14 (OMIM 160150). References: Cuoco, et al., Orphanet J Rare Dis. 2011 Apr 1;6:12. PMID: 21457564. Fernandez et al., Am J Hum Genet. 2004 Jun;74(6):1286-93. PMID: 15106122. Hu J, et al., J Neurodev Disord. 2015;7(1):26. PMID: 26257835. Kashevarova et al., Mol Cytogenet. 2014 Dec 31;7(1):97. PMID: 25606055. Kuechler et al., Eur J Hum Genet. 2015 Jun;23(6):753-60. PMID: 25138099. Mattioli et al., Am J Hum Genet. 2017 Jan 5;100(1):105-116. PMID: 27939639. Oguro-Ando, A et al. Mol Cell Neuro 2017 Jan 5. pii: S1044-7431(16)30291-3. PMID: 28064060. Pohjola, et al., Am J Med Genet A. 2010 Feb;152A(2):441-6. PMID: 20101686. Roohi et al., J Med Genet. 2009 Mar;46(3):176-82. PMID: 18349135. Shuib et al., Am J Med Genet A. 2009 Oct;149A(10):2099-105. PMID: 19760623. Tassano E, et al., Eur J Med Genet. 2014 Nov-Dec;57(11-12):626-9. PMID: 25451713.